The following is an entry in ClinVar:

NM_001384911.1(TRIM49D1):c.860-45ATTT[6]

Gene: TRIM49D1 (tripartite motif containing 49D1; minus strand). Cytogenetic location: 11q14.3.
Variant type: Microsatellite.
Coding change: c.860-45ATTT[6] on transcript NM_001384911.1 (MANE Select); six copies in a row of the 4-base unit ATTT starting at c.860-45; the reference has ten copies in a row; four copies, 16 bases deleted.
Molecular consequence: intron variant.
Genome position (GRCh38, 1-based): chr11:89,912,092-89,912,107, AAATAAATAAATAAAT deleted on the plus strand (ATTTATTTATTTATTT on the coding strand, the reverse complement: TRIM49D1 is on the minus strand); deleting any 16 consecutive bases within chr11:89,912,092-89,912,132 gives the same sequence; the position shown is the placement nearest the transcript's 3' end. VCF-style (leftmost placement, unchanged base first): chr11-89912091-AAAATAAATAAATAAAT-A. GRCh37 (hg19) VCF-style: chr11-89645259-AAAATAAATAAATAAAT-A.
Other names: c.860-45ATTT[6] (NM_001206627.2).
Identifiers: ClinVar variation 5039212 (VCV005039212.1).

ClinVar aggregate classification (germline): Likely benign (1 of 4 stars; one submission).

Submission:

CeGaT Center for Human Genetics Tuebingen
Classification: Likely benign. Last evaluated: 2026-07-01. Review status: criteria provided, single submitter. Criteria: CeGaT Center For Human Genetics Tuebingen Variant Classification Criteria Version 2. Collection method: clinical testing. Allele origin: germline. Affected: yes. Observed: 1 variant allele.
Comment: TRIM49D1: BP4